The following is an entry in ClinVar:

ClinVar aggregate classification (germline): Uncertain significance (1 of 4 stars; one submission).

Submission:

Quest Diagnostics Nichols Institute San Juan Capistrano
Classification: Uncertain significance. Last evaluated: 2025-10-10. Review status: criteria provided, single submitter. Criteria: Quest Diagnostics criteria. Collection method: clinical testing. Allele origin: unknown.
Comment: The BRCA2 c.1433C>T (p.Thr478Ile) variant has not been reported in individuals with BRCA2-related conditions in the published literature. This variant also has not been reported in large, multi-ethnic general populations (Genome Aggregation Database). Analysis of this variant using bioinformatics tools for the prediction of the effect of amino acid changes on protein structure and function yielded predictions that this variant is benign. Based on the available information, we are unable to determine the clinical significance of this variant.

NM_000059.4(BRCA2):c.1433C>T (p.Thr478Ile)

Gene: BRCA2 (BRCA2 DNA repair associated; plus strand). Cytogenetic location: 13q13.1.
Variant type: single nucleotide variant.
Coding change: c.1433C>T on transcript NM_000059.4 (MANE Select); coding-DNA position 1433, C replaced by T.
Protein change: p.Thr478Ile; replaces threonine 478 with isoleucine.
Molecular consequence: missense variant. On other transcripts: non-coding transcript variant (1), intron variant (1).
Genome position (GRCh38, 1-based): chr13:32,332,911, C>T. VCF-style: chr13-32332911-C-T. GRCh37 (hg19) VCF-style: chr13-32907048-C-T.
Other names: c.1433C>T, p.Thr478Ile (NM_001406719.1, NM_001406720.1, NM_001406721.1 and 1 more transcripts); c.424+1881C>T (NM_001406722.1); short protein forms T478I.
Identifiers: ClinVar variation 4532819 (VCV004532819.1).